The following is an entry in ClinVar:

ClinVar aggregate classification (germline): Benign/Likely benign. Review status: criteria provided, multiple submitters, no conflicts (2 of 4 stars). 4 submissions from 4 submitters: Benign (2); Likely benign (1). 1 of the submissions does not count toward it. Last evaluated 2026-04-01.

Conditions:
PPP2R5C-related disorder. Also called: PPP2R5C-related condition.

Allele frequency attached by ClinVar (database versions not stated): 1000 Genomes Project 30x 0.00094; 1000 Genomes Project 0.00100; ExAC 0.00187; gnomAD 0.00189 and 0.00192; gnomAD exomes 0.00194; ESP Exome Variant Server 0.00246.
gnomAD v4.1: 4,957 of 1,600,332 alleles (0.31%); highest among the groups gnomAD compares: Non-Finnish European, 0.39%; 12 homozygotes.

Submissions (4):

CeGaT Center for Human Genetics Tuebingen
Classification: Likely benign. Last evaluated: 2026-04-01. Review status: criteria provided, single submitter. Criteria: CeGaT Center For Human Genetics Tuebingen Variant Classification Criteria Version 2. Collection method: clinical testing. Allele origin: germline. Affected: yes. Observed: 3 variant alleles.
Comment: PPP2R5C: BP4, BS1

Labcorp Genetics (formerly Invitae), Labcorp
Classification: Benign. Last evaluated: 2026-01-06. Review status: criteria provided, single submitter. Criteria: Invitae Variant Classification Sherloc (09022015). Collection method: clinical testing. Allele origin: germline.

Breakthrough Genomics
Classification: Benign. Review status: criteria provided, single submitter. Criteria: ACMG Guidelines, 2015. Collection method: not provided. Allele origin: germline. Inheritance: Unknown mechanism. Affected: yes.

PreventionGenetics, part of Exact Sciences
Classification: Likely benign for PPP2R5C-related condition. Last evaluated: 2020-10-26. Review status: no assertion criteria provided. Collection method: clinical testing. Allele origin: germline. Not counted in ClinVar's aggregate classification.
Comment: This variant is classified as likely benign based on ACMG/AMP sequence variant interpretation guidelines (Richards et al. 2015 PMID: 25741868, with internal and published modifications).

NM_001352913.2(PPP2R5C):c.1491+11A>C

Gene: PPP2R5C (protein phosphatase 2 regulatory subunit B'gamma; plus strand). Cytogenetic location: 14q32.31.
Variant type: single nucleotide variant.
Coding change: c.1491+11A>C on transcript NM_001352913.2 (MANE Select); 11 bases into the intron after coding-DNA position 1491, A replaced by C.
Molecular consequence: intron variant. On other transcripts: missense variant (1).
Genome position (GRCh38, 1-based): chr14:101,912,484, A>C. VCF-style: chr14-101912484-A-C. GRCh37 (hg19) VCF-style: chr14-102378821-A-C.
Other names: c.1337A>C (NM_178587.2); c.1337A>C, p.Lys446Thr (NM_178587.3); c.1506+11A>C (NM_001352914.2); c.1491+11A>C (NM_001161726.2); c.1419+11A>C (NM_001161725.2); c.1101+11A>C (NM_001352915.2, NM_001352916.2); c.1326+11A>C (NM_001352912.1, NM_002719.4, NM_178586.3); short protein forms K446T.
Identifiers: ClinVar variation 1645594 (VCV001645594.34), dbSNP rs199560996, ClinGen allele CA7351300.